The following is an entry in ClinVar:

NM_001378778.1(MPDZ):c.4695A>G (p.Pro1565=)

Gene: MPDZ (multiple PDZ domain crumbs cell polarity complex component; minus strand). Cytogenetic location: 9p23.
Variant type: single nucleotide variant.
Coding change: c.4695A>G on transcript NM_001378778.1 (MANE Select); coding-DNA position 4695, A replaced by G.
Protein change: p.Pro1565=; no amino-acid change (proline 1565 retained).
Molecular consequence: synonymous variant.
Genome position (GRCh38, 1-based): chr9:13,125,328, T>C on the plus strand (A>G on the coding strand, the complement: MPDZ is on the minus strand). VCF-style: chr9-13125328-T-C. GRCh37 (hg19) VCF-style: chr9-13125327-T-C.
Other names: c.4596A>G, p.Pro1532= (NM_001261406.2, NM_001261407.2, NM_001375416.1 and 3 more transcripts); c.4695A>G, p.Pro1565= (NM_001330637.2, NM_003829.5); c.4794A>G, p.Pro1598= (NM_001375413.1); c.4485A>G, p.Pro1495= (NM_001375420.1, NM_001375421.1, NM_001375422.1 and 4 more transcripts); c.4287A>G, p.Pro1429= (NM_001375427.1); c.4695A>G (NM_003829.4).
Identifiers: ClinVar variation 1662701 (VCV001662701.9), dbSNP rs372859606, ClinGen allele CA4986599.

ClinVar aggregate classification (germline): Likely benign. Review status: criteria provided, multiple submitters, no conflicts (2 of 4 stars). 2 submissions from 2 submitters: Likely benign (2). Last evaluated 2026-01-14.

Conditions:
MPDZ-related disorder. Also called: MPDZ-related condition.

Allele frequency attached by ClinVar (database versions not stated): gnomAD exomes 0.00006; TOPMed 0.00006; ExAC 0.00007; ESP Exome Variant Server 0.00008; gnomAD 0.00008 and 0.00009.
gnomAD v4.1: 113 of 1,613,736 alleles (0.007%); highest among the groups gnomAD compares: Middle Eastern, 0.016%; no homozygotes.

Submissions (2):

Labcorp Genetics (formerly Invitae), Labcorp
Classification: Likely benign. Last evaluated: 2026-01-14. Review status: criteria provided, single submitter. Criteria: Invitae Variant Classification Sherloc (09022015). Collection method: clinical testing. Allele origin: germline.

PreventionGenetics, part of Exact Sciences
Classification: Likely benign for MPDZ-related condition. Last evaluated: 2024-12-05. Review status: criteria provided, single submitter. Criteria: ACMG Guidelines, 2015. Collection method: clinical testing. Allele origin: germline.
Comment: This variant is classified as likely benign based on ACMG/AMP sequence variant interpretation guidelines (Richards et al. 2015 PMID: 25741868, with internal and published modifications).